The following is an entry in ClinVar:

NM_001003694.2(BRPF1):c.558_570delinsAGGTAGAGGTG (p.Asp187fs)

Gene: BRPF1 (bromodomain and PHD finger containing 1; plus strand). Cytogenetic location: 3p25.3.
Variant type: Indel.
Coding change: c.558_570delinsAGGTAGAGGTG on transcript NM_001003694.2 (MANE Select); coding-DNA positions 558 to 570, GGACACCCCTGAT replaced by AGGTAGAGGTG.
Protein change: p.Asp187fs; shifts the reading frame from aspartic acid 187.
Molecular consequence: frameshift variant. On other transcripts: non-coding transcript variant (1).
Genome position (GRCh38, 1-based): chr3:9,734,698-9,734,710, GGACACCCCTGAT replaced by AGGTAGAGGTG. VCF-style: chr3-9734698-GGACACCCCTGAT-AGGTAGAGGTG. GRCh37 (hg19) VCF-style: chr3-9776382-GGACACCCCTGAT-AGGTAGAGGTG.
Other names: c.558_570delinsAGGTAGAGGTG, p.Asp187fs (NM_001319049.2, NM_001319050.2, NM_004634.3); short protein forms D187fs.
Identifiers: ClinVar variation 817938 (VCV000817938.1), dbSNP rs1575147387, ClinGen allele CA915941856.
Genomic context (GRCh38, chr3:9,734,698, plus strand): 5'-CAATGTTTCTGCGAGCACCACTCCCAAGCTGCCAGAGGTGGTCTATCGGGAGCTGGAACA[GGACACCCCTGAT>AGGTAGAGGTG]GCCCCACCCCGGCCAACTTCCTATTACCGGTAAGGCCACCTCTACCTTGCAGCTCTGGAA-3'

ClinVar aggregate classification (germline): Pathogenic (1 of 4 stars; one submission).

Submission:

GeneDx
Classification: Pathogenic. Last evaluated: 2018-12-06. Review status: criteria provided, single submitter. Criteria: GeneDx Variant Classification (06012015). Collection method: clinical testing. Allele origin: germline. Affected: yes.
Comment: The c.558_570del13ins11 variant in the BRPF1 gene has not been published as a pathogenic variant, nor has it been reported as a benign variant to our knowledge. The c.558_570del13ins11 variant causes a frameshift starting with codon Aspartic Acid 187, changes this amino acid to a Glycine residue and creates a premature Stop codon at position 29 of the new reading frame, denoted p.Asp187GlyfsX29. This variant is predicted to cause loss of normal protein function either through protein truncation or nonsense-mediated mRNA decay. The c.558_570del13ins11 variant is not observed in large population cohorts (Lek et al., 2016). Therefore, c.558_570del13ins11 is considered a pathogenic variant.